The following is an entry in ClinVar:

ClinVar aggregate classification (germline): Likely pathogenic. Review status: criteria provided, single submitter (1 of 4 stars). 2 submissions from 2 submitters: Likely pathogenic (1). 1 of the submissions does not count toward it. Last evaluated 2025-08-01.

Conditions:
Spinocerebellar ataxia, autosomal recessive 29. Also called: BARAKAT-VAN HAM-KAYA SYNDROME; NEURODEVELOPMENTAL DISORDER WITH HYPOTONIA AND CEREBELLAR ATAXIA. Identifiers: MedGen C5543595, MONDO:0030312, OMIM 619389.

Allele frequency attached by ClinVar (database versions not stated): ESP Exome Variant Server 0.00015; gnomAD exomes 0.00018 and 0.00037; gnomAD 0.00019 and 0.00021; ExAC 0.00022; TOPMed 0.00031.
gnomAD v4.1: 316 of 1,612,880 alleles (0.02%); highest among the groups gnomAD compares: Admixed American, 0.058%; no homozygotes.

Submissions (2):

CeGaT Center for Human Genetics Tuebingen
Classification: Likely pathogenic. Last evaluated: 2025-08-01. Review status: criteria provided, single submitter. Criteria: CeGaT Center For Human Genetics Tuebingen Variant Classification Criteria Version 2. Collection method: clinical testing. Allele origin: germline. Affected: yes. Observed: 1 variant allele.
Comment: VPS41: PM3:Strong, PM2, PVS1:Moderate

OMIM
Classification: Pathogenic for SPINOCEREBELLAR ATAXIA, AUTOSOMAL RECESSIVE 29. Last evaluated: 2021-07-06. Review status: no assertion criteria provided. Collection method: literature only. Allele origin: germline. Not counted in ClinVar's aggregate classification.

Literature cited by the submitters: PubMed 33851776 (cited by OMIM).

NM_014396.4(VPS41):c.1984C>T (p.Arg662Ter)

Gene: VPS41 (VPS41 subunit of HOPS complex; minus strand). Cytogenetic location: 7p14.1.
Variant type: single nucleotide variant.
Coding change: c.1984C>T on transcript NM_014396.4 (MANE Select); coding-DNA position 1984, C replaced by T.
Protein change: p.Arg662Ter; replaces arginine 662 with a stop codon.
Molecular consequence: nonsense.
Genome position (GRCh38, 1-based): chr7:38,743,540, G>A on the plus strand (C>T on the coding strand, the complement: VPS41 is on the minus strand). VCF-style: chr7-38743540-G-A. GRCh37 (hg19) VCF-style: chr7-38783140-G-A.
Other names: c.1909C>T, p.Arg637Ter (NM_080631.4); short protein forms R637*, R662*.
Identifiers: ClinVar variation 1175721 (VCV001175721.9), dbSNP rs199716160, ClinGen allele CA4226579.